The following is an entry in ClinVar:

ClinVar aggregate classification (germline): Uncertain significance (1 of 4 stars; one submission).

Submission:

Labcorp Genetics (formerly Invitae), Labcorp
Classification: Uncertain significance. Last evaluated: 2024-07-23. Review status: criteria provided, single submitter. Criteria: Invitae Variant Classification Sherloc (09022015). Collection method: clinical testing. Allele origin: germline.
Comment: This sequence change replaces alanine, which is neutral and non-polar, with valine, which is neutral and non-polar, at codon 452 of the NFE2L2 protein (p.Ala452Val). This variant is not present in population databases (gnomAD no frequency). This variant has not been reported in the literature in individuals affected with NFE2L2-related conditions. Advanced modeling of protein sequence and biophysical properties (such as structural, functional, and spatial information, amino acid conservation, physicochemical variation, residue mobility, and thermodynamic stability) performed at Invitae indicates that this missense variant is not expected to disrupt NFE2L2 protein function with a negative predictive value of 80%. In summary, the available evidence is currently insufficient to determine the role of this variant in disease. Therefore, it has been classified as a Variant of Uncertain Significance.

NM_006164.5(NFE2L2):c.1355C>T (p.Ala452Val)

Gene: NFE2L2 (NFE2 like bZIP transcription factor 2; minus strand). Cytogenetic location: 2q31.2.
Variant type: single nucleotide variant.
Coding change: c.1355C>T on transcript NM_006164.5 (MANE Select); coding-DNA position 1355, C replaced by T.
Protein change: p.Ala452Val; replaces alanine 452 with valine.
Molecular consequence: missense variant.
Genome position (GRCh38, 1-based): chr2:177,231,248, G>A on the plus strand (C>T on the coding strand, the complement: NFE2L2 is on the minus strand). VCF-style: chr2-177231248-G-A. GRCh37 (hg19) VCF-style: chr2-178095976-G-A.
Other names: c.1307C>T, p.Ala436Val (NM_001145412.3, NM_001313900.1, NM_001313901.1); c.1286C>T, p.Ala429Val (NM_001145413.3); c.1265C>T, p.Ala422Val (NM_001313902.2); c.1136C>T, p.Ala379Val (NM_001313903.2); c.1055C>T, p.Ala352Val (NM_001313904.1); short protein forms A352V, A422V, A452V, A379V, A429V, A436V.
Identifiers: ClinVar variation 3660348 (VCV003660348.2).